The following is an entry in ClinVar:

ClinVar aggregate classification (germline): Likely benign (0 of 4 stars; one submission).

Conditions:
PLXNA1-related disorder. Also called: PLXNA1-related condition.

Submission:

PreventionGenetics, part of Exact Sciences
Classification: Likely benign for PLXNA1-related condition. Last evaluated: 2024-02-28. Review status: no assertion criteria provided. Collection method: clinical testing. Allele origin: germline.
Comment: This variant is classified as likely benign based on ACMG/AMP sequence variant interpretation guidelines (Richards et al. 2015 PMID: 25741868, with internal and published modifications).

NM_032242.4(PLXNA1):c.1068A>C (p.Ala356=)

Gene: PLXNA1 (plexin A1; plus strand). Cytogenetic location: 3q21.3.
Variant type: single nucleotide variant.
Coding change: c.1068A>C on transcript NM_032242.4 (MANE Select); coding-DNA position 1068, A replaced by C.
Protein change: p.Ala356=; no amino-acid change (alanine 356 retained).
Molecular consequence: synonymous variant.
Genome position (GRCh38, 1-based): chr3:126,989,661, A>C. VCF-style: chr3-126989661-A-C. GRCh37 (hg19) VCF-style: chr3-126708504-A-C.
Identifiers: ClinVar variation 3349448 (VCV003349448.1).